The following is an entry in ClinVar:

NM_138694.4(PKHD1):c.8797+1G>A

Gene: PKHD1 (PKHD1 ciliary IPT domain containing fibrocystin/polyductin; minus strand). Cytogenetic location: 6p12.3.
Variant type: single nucleotide variant.
Coding change: c.8797+1G>A on transcript NM_138694.4 (MANE Select); the canonical splice donor site of the intron after coding-DNA position 8797, G replaced by A.
Molecular consequence: splice donor variant.
Genome position (GRCh38, 1-based): chr6:51,754,783, C>T on the plus strand (G>A on the coding strand, the complement: PKHD1 is on the minus strand). VCF-style: chr6-51754783-C-T. GRCh37 (hg19) VCF-style: chr6-51619581-C-T.
Other names: c.8797+1G>A (NM_170724.3).
Identifiers: ClinVar variation 1484620 (VCV001484620.7), dbSNP rs2151020151, ClinGen allele CA364427886.
Genomic context (GRCh38, chr6:51,754,783, plus strand): 5'-GTTACCAAACATGGTCTTCCTAGCTCATTCACTTACCTTAACCAACAAACCAAAGCCTTA[C>T]CAATATGCCGGTGTTTGAGCCGTTCATAGATCCTCACATGGTGGCCCTTGACTTCTTTCA-3'

ClinVar aggregate classification (germline): Pathogenic/Likely pathogenic. Review status: criteria provided, multiple submitters, no conflicts (2 of 4 stars). 2 submissions from 2 submitters: Pathogenic (1); Likely pathogenic (1). Last evaluated 2024-04-25.

Conditions:
Autosomal recessive polycystic kidney disease (ARPKD). Also called: AR polycystic kidney disease. Identifiers: Orphanet 731, Orphanet 8378, MedGen C0085548, MeSH D017044, MONDO:0009889.
PKHD1-related disorder. Also called: PKHD1-related condition.

Submissions (2):

Blueprint Genetics
Classification: Pathogenic for PKHD1-related disorders. Last evaluated: 2024-04-25. Review status: criteria provided, single submitter. Criteria: ACMG Guidelines, 2015. Collection method: clinical testing. Allele origin: germline. Affected: yes. Observed: 3 variant alleles.

Labcorp Genetics (formerly Invitae), Labcorp
Classification: Likely pathogenic for Autosomal recessive polycystic kidney disease. Last evaluated: 2021-11-18. Review status: criteria provided, single submitter. Criteria: Invitae Variant Classification Sherloc (09022015). Collection method: clinical testing. Allele origin: germline.
Comment: Algorithms developed to predict the effect of sequence changes on RNA splicing suggest that this variant may disrupt the consensus splice site. In summary, the currently available evidence indicates that the variant is pathogenic, but additional data are needed to prove that conclusively. Therefore, this variant has been classified as Likely Pathogenic. This variant has not been reported in the literature in individuals affected with PKHD1-related conditions. This variant is not present in population databases (gnomAD no frequency). This sequence change affects a donor splice site in intron 56 of the PKHD1 gene. It is expected to disrupt RNA splicing. Variants that disrupt the donor or acceptor splice site typically lead to a loss of protein function (PMID: 16199547), and loss-of-function variants in PKHD1 are known to be pathogenic (PMID: 19940839).

Literature cited by the submitters: PubMed 16199547 (cited by Labcorp Genetics (formerly Invitae), Labcorp); PubMed 19940839 (cited by Labcorp Genetics (formerly Invitae), Labcorp).